The following is an entry in ClinVar:

NM_000492.4(CFTR):c.243T>G (p.Phe81Leu)

Gene: CFTR (CF transmembrane conductance regulator; plus strand). Cytogenetic location: 7q31.2.
Variant type: single nucleotide variant.
Coding change: c.243T>G on transcript NM_000492.4 (MANE Select); coding-DNA position 243, T replaced by G.
Protein change: p.Phe81Leu; replaces phenylalanine 81 with leucine.
Molecular consequence: missense variant.
Genome position (GRCh38, 1-based): chr7:117,509,112, T>G. VCF-style: chr7-117509112-T-G. GRCh37 (hg19) VCF-style: chr7-117149166-T-G.
Other names: short protein forms F81L.
Identifiers: ClinVar variation 1896873 (VCV001896873.5), dbSNP rs2484975509, ClinGen allele CA368972256.

ClinVar aggregate classification (germline): Uncertain significance (1 of 4 stars; one submission).

Conditions:
Cystic fibrosis (CF). Also called: MUCOVISCIDOSIS. Identifiers: Orphanet 586, MedGen C0010674, MONDO:0009061, OMIM 219700. Disease mechanism: loss of function.

Submission:

Labcorp Genetics (formerly Invitae), Labcorp
Classification: Uncertain significance for Cystic fibrosis. Last evaluated: 2022-06-22. Review status: criteria provided, single submitter. Criteria: Invitae Variant Classification Sherloc (09022015). Collection method: clinical testing. Allele origin: germline.
Comment: This sequence change replaces phenylalanine, which is neutral and non-polar, with leucine, which is neutral and non-polar, at codon 81 of the CFTR protein (p.Phe81Leu). This variant is not present in population databases (gnomAD no frequency). This variant has not been reported in the literature in individuals affected with CFTR-related conditions. Algorithms developed to predict the effect of missense changes on protein structure and function (SIFT, PolyPhen-2, Align-GVGD) all suggest that this variant is likely to be tolerated. In summary, the available evidence is currently insufficient to determine the role of this variant in disease. Therefore, it has been classified as a Variant of Uncertain Significance.